The following is an entry in ClinVar:

ClinVar aggregate classification (germline): Uncertain significance (1 of 4 stars; one submission).

Conditions:
Short-rib thoracic dysplasia 6 with or without polydactyly (SRTD6). Also called: SHORT RIB-POLYDACTYLY SYNDROME, TYPE IIA; Majewski Syndrome; SHORT-RIB THORACIC DYSPLASIA 6 WITH POLYDACTYLY; SHORT-RIB THORACIC DYSPLASIA 6 WITHOUT POLYDACTYLY; POLYDACTYLY WITH NEONATAL CHONDRODYSTROPHY, TYPE II. Identifiers: MedGen C0024507, MONDO:0009894, OMIM 263520.

gnomAD v4.1: 9 of 1,613,704 alleles (0.00056%); highest among the groups gnomAD compares: African/African-American, 0.0027%; no homozygotes.

Submission:

Labcorp Genetics (formerly Invitae), Labcorp
Classification: Uncertain significance for Short-rib thoracic dysplasia 6 with or without polydactyly. Last evaluated: 2023-06-04. Review status: criteria provided, single submitter. Criteria: Invitae Variant Classification Sherloc (09022015). Collection method: clinical testing. Allele origin: germline.
Comment: Advanced modeling of protein sequence and biophysical properties (such as structural, functional, and spatial information, amino acid conservation, physicochemical variation, residue mobility, and thermodynamic stability) performed at Invitae indicates that this missense variant is not expected to disrupt NEK1 protein function. In summary, the available evidence is currently insufficient to determine the role of this variant in disease. Therefore, it has been classified as a Variant of Uncertain Significance. ClinVar contains an entry for this variant (Variation ID: 1959312). This variant has not been reported in the literature in individuals affected with NEK1-related conditions. The frequency data for this variant in the population databases is considered unreliable, as metrics indicate poor data quality at this position in the gnomAD database. This sequence change replaces arginine, which is basic and polar, with cysteine, which is neutral and slightly polar, at codon 484 of the NEK1 protein (p.Arg484Cys).

NM_001199397.3(NEK1):c.1450C>T (p.Arg484Cys)

Gene: NEK1 (NIMA related kinase 1; minus strand). Cytogenetic location: 4q33.
Variant type: single nucleotide variant.
Coding change: c.1450C>T on transcript NM_001199397.3 (MANE Select); coding-DNA position 1450, C replaced by T.
Protein change: p.Arg484Cys; replaces arginine 484 with cysteine.
Molecular consequence: missense variant. On other transcripts: non-coding transcript variant (1), intron variant (3).
Genome position (GRCh38, 1-based): chr4:169,555,832, G>A on the plus strand (C>T on the coding strand, the complement: NEK1 is on the minus strand). VCF-style: chr4-169555832-G-A. GRCh37 (hg19) VCF-style: chr4-170476983-G-A.
Other names: c.1450C>T, p.Arg484Cys (NM_001374418.1, NM_001374419.1, NM_012224.4); c.1399C>T, p.Arg467Cys (NM_001374420.1); c.1324C>T, p.Arg442Cys (NM_001374421.1); c.1355+100C>T (NM_001199399.3); c.1430+100C>T (NM_001199398.3, NM_001199400.3); short protein forms R442C, R467C, R484C.
Identifiers: ClinVar variation 1959312 (VCV001959312.5), dbSNP rs183378326, ClinGen allele CA358733790.